The following is an entry in ClinVar:

ClinVar aggregate classification (germline): not provided (0 of 4 stars; one submission).

Conditions:
Familial long QT syndrome (RWS). Also called: Congenital long QT syndrome; Romano-Ward syndrome; VENTRICULAR FIBRILLATION WITH PROLONGED QT INTERVAL. Identifiers: Orphanet 768, MedGen C1141890, MONDO:0019171.

Submission:

Cardiovascular Biomedical Research Unit, Royal Brompton & Harefield NHS Foundation Trust
No classification provided. Condition: Familial long QT syndrome. Review status: no classification provided. Collection method: literature only. Allele origin: germline.
Comment: This variant has been reported as associated with Long QT syndrome in the following publications (PMID:16414944;PMID:16922724). This is a literature report, and does not necessarily reflect the clinical interpretation of the Imperial College / Royal Brompton Cardiovascular Genetics laboratory.

Literature cited by the submitters: PubMed 16414944; PubMed 16922724; PubMed 22581653.

NM_000238.4(KCNH2):c.1279T>C (p.Tyr427His)

Gene: KCNH2 (potassium voltage-gated channel subfamily H member 2; minus strand). Cytogenetic location: 7q36.1.
Variant type: single nucleotide variant.
Coding change: c.1279T>C on transcript NM_000238.4 (MANE Select); coding-DNA position 1279, T replaced by C.
Protein change: p.Tyr427His; replaces tyrosine 427 with histidine.
Molecular consequence: missense variant.
Genome position (GRCh38, 1-based): chr7:150,952,703, A>G on the plus strand (T>C on the coding strand, the complement: KCNH2 is on the minus strand). VCF-style: chr7-150952703-A-G. GRCh37 (hg19) VCF-style: chr7-150649791-A-G.
Other names: c.1279T>C (LRG_288t1); c.259T>C, p.Tyr87His (NM_172057.3, NM_001204798.2); c.991T>C, p.Tyr331His (NM_001406753.1, NM_001406756.1); c.1102T>C, p.Tyr368His (NM_001406755.1); c.979T>C, p.Tyr327His (NM_001406757.1); c.1279T>C, p.Tyr427His (NM_172056.3); short protein forms Y427H, Y87H, Y368H, Y327H, Y331H.
Identifiers: ClinVar variation 67176 (VCV000067176.3), dbSNP rs199472898, ClinGen allele CA004372.